The following is an entry in ClinVar:

NM_005518.4(HMGCS2):c.119C>A (p.Ser40Tyr)

Gene: HMGCS2 (3-hydroxy-3-methylglutaryl-CoA synthase 2; minus strand). Cytogenetic location: 1p12.
Variant type: single nucleotide variant.
Coding change: c.119C>A on transcript NM_005518.4 (MANE Select); coding-DNA position 119, C replaced by A.
Protein change: p.Ser40Tyr; replaces serine 40 with tyrosine.
Molecular consequence: missense variant.
Genome position (GRCh38, 1-based): chr1:119,764,612, G>T on the plus strand (C>A on the coding strand, the complement: HMGCS2 is on the minus strand). VCF-style: chr1-119764612-G-T. GRCh37 (hg19) VCF-style: chr1-120307235-G-T.
Other names: c.119C>A, p.Ser40Tyr (NM_001166107.1); short protein forms S40Y.
Identifiers: ClinVar variation 2214240 (VCV002214240.2), dbSNP rs1346871356, ClinGen allele CA341867393.

ClinVar aggregate classification (germline): Uncertain significance (1 of 4 stars; one submission).

Conditions:
Inborn genetic diseases. Identifiers: MedGen C0950123, MeSH D030342.

Allele frequency attached by ClinVar (database versions not stated): gnomAD exomes 0.00001; TOPMed 0.00002.
gnomAD v4.1: 9 of 1,613,424 alleles (0.00056%); highest among the groups gnomAD compares: Admixed American, 0.013%; no homozygotes.

Submission:

Ambry Genetics
Classification: Uncertain significance for Inborn genetic diseases. Last evaluated: 2021-01-08. Review status: criteria provided, single submitter. Criteria: Ambry Variant Classification Scheme 2023. Collection method: clinical testing. Allele origin: germline.
Comment: The c.119C>A (p.S40Y) alteration is located in exon 2 (coding exon 2) of the HMGCS2 gene. This alteration results from a C to A substitution at nucleotide position 119, causing the serine (S) at amino acid position 40 to be replaced by a tyrosine (Y). The p.S40Y alteration is predicted to be tolerated by in silico analysis. Based on insufficient or conflicting evidence, the clinical significance of this alteration remains unclear.